The following is an entry in ClinVar:

NM_012186.3(FOXE3):c.711G>T (p.Pro237=)

Genes: FOXE3 (forkhead box E3; plus strand), LINC01389 (long independently transcribed non-coding RNA 1389; minus strand). Cytogenetic location: 1p33.
Variant type: single nucleotide variant.
Coding change: c.711G>T on transcript NM_012186.3 (MANE Select); coding-DNA position 711, G replaced by T.
Protein change: p.Pro237=; no amino-acid change (proline 237 retained).
Molecular consequence: synonymous variant.
Genome position (GRCh38, 1-based): chr1:47,417,026, G>T. VCF-style: chr1-47417026-G-T. GRCh37 (hg19) VCF-style: chr1-47882698-G-T.
Other names: c.711G>T (NM_012186.2).
Identifiers: ClinVar variation 1094799 (VCV001094799.12), dbSNP rs1177501502, ClinGen allele CA417893022.

ClinVar aggregate classification (germline): Likely benign. Review status: criteria provided, multiple submitters, no conflicts (2 of 4 stars). 3 submissions from 3 submitters: Likely benign (2). 1 of the submissions does not count toward it. Last evaluated 2026-03-07.

Conditions:
FOXE3-related disorder. Also called: FOXE3-related condition.
Anterior segment dysgenesis. Also called: Ocular anterior segment dysgenesis. Identifiers: Orphanet 88632, MedGen C1862839, MONDO:0019503, HP:0007700.
Congenital primary aphakia. Also called: Anterior segment dysgenesis 2, multiple subtypes; ANTERIOR SEGMENT DYSGENESIS 2. Identifiers: Orphanet 83461, MedGen C1853230, MONDO:0012456, OMIM 610256.
Cardiovascular phenotype. Identifiers: MedGen CN230736.

Allele frequency attached by ClinVar (database versions not stated): gnomAD 0.00001; gnomAD exomes 0.00001 and 0.00009.
gnomAD v4.1: 13 of 1,317,628 alleles (0.00099%); highest among the groups gnomAD compares: Middle Eastern, 0.029%; 1 homozygote.

Submissions (3):

Ambry Genetics
Classification: Likely benign for Cardiovascular phenotype. Last evaluated: 2026-03-07. Review status: criteria provided, single submitter. Criteria: Ambry Variant Classification Scheme 2023. Collection method: clinical testing. Allele origin: germline.

Labcorp Genetics (formerly Invitae), Labcorp
Classification: Likely benign for Anterior segment dysgenesis; Congenital primary aphakia. Last evaluated: 2023-02-19. Review status: criteria provided, single submitter. Criteria: Invitae Variant Classification Sherloc (09022015). Collection method: clinical testing. Allele origin: germline.

PreventionGenetics, part of Exact Sciences
Classification: Likely benign for FOXE3-related condition. Last evaluated: 2020-06-25. Review status: no assertion criteria provided. Collection method: clinical testing. Allele origin: germline. Not counted in ClinVar's aggregate classification.
Comment: This variant is classified as likely benign based on ACMG/AMP sequence variant interpretation guidelines (Richards et al. 2015 PMID: 25741868, with internal and published modifications).